The following is an entry in ClinVar:

NC_000004.11:g.(?_15480341)_(15482457_?)del

Gene: CC2D2A (coiled-coil and C2 domain containing 2A; plus strand). Cytogenetic location: 4p15.32.
Variant type: Deletion.
Identifiers: ClinVar variation 1076226 (VCV001076226.1).

ClinVar aggregate classification (germline): Pathogenic (1 of 4 stars; one submission).

Conditions:
Joubert syndrome. Also called: Familial aplasia of the vermis; CEREBELLOPARENCHYMAL DISORDER IV; JOUBERT-BOLTSHAUSER SYNDROME. Identifiers: Orphanet 475, MedGen C5979921, MONDO:0018772.
Meckel-Gruber syndrome. Also called: Dysencephalia splachnocystica; DYSENCEPHALIA SPLANCHNOCYSTICA; GRUBER SYNDROME. Identifiers: Orphanet 564, MedGen C0265215, MONDO:0018921.

Submission:

Labcorp Genetics (formerly Invitae), Labcorp
Classification: Pathogenic for Joubert syndrome; Meckel-Gruber syndrome. Last evaluated: 2016-08-08. Review status: criteria provided, single submitter. Criteria: Invitae Variant Classification Sherloc (09022015). Collection method: clinical testing. Allele origin: germline.
Comment: This variant is a gross deletion of the genomic region encompassing exons 4-5 of the CC2D2A gene. This creates a premature translational stop signal and is expected to result in an absent or disrupted protein product. While this particular variant has not been reported in the literature, truncating variants in CC2D2A are known to be pathogenic (PMID: 19777577). For these reasons, this variant has been classified as Pathogenic.

Literature cited by the submitters: PubMed 19777577.